The following is an entry in ClinVar:

NM_001367805.3(KIF23):c.2018_2019delinsTT (p.Thr673Ile)

Gene: KIF23 (kinesin family member 23; plus strand). Cytogenetic location: 15q23.
Variant type: Indel.
Coding change: c.2018_2019delinsTT on transcript NM_001367805.3 (MANE Select); coding-DNA positions 2018 to 2019, CC replaced by TT.
Protein change: p.Thr673Ile; replaces threonine 673 with isoleucine.
Molecular consequence: missense variant. On other transcripts: non-coding transcript variant (2).
Genome position (GRCh38, 1-based): chr15:69,440,396-69,440,397, CC replaced by TT. VCF-style: chr15-69440396-CC-TT. GRCh37 (hg19) VCF-style: chr15-69732735-CC-TT.
Other names: c.1646_1647delinsTT, p.Thr549Ile (NM_001281301.2); c.1976_1977delinsTT, p.Thr659Ile (NM_001367804.2, NM_004856.7, NM_138555.4); short protein forms T549I, T659I, T673I.
Identifiers: ClinVar variation 4701254 (VCV004701254.1).

ClinVar aggregate classification (germline): Uncertain significance (1 of 4 stars; one submission).

Submission:

Labcorp Genetics (formerly Invitae), Labcorp
Classification: Uncertain significance. Last evaluated: 2025-12-10. Review status: criteria provided, single submitter. Criteria: Invitae Variant Classification Sherloc (09022015). Collection method: clinical testing. Allele origin: germline.
Comment: This sequence change replaces threonine, which is neutral and polar, with isoleucine, which is neutral and non-polar, at codon 659 of the KIF23 protein (p.Thr659Ile). Information on the frequency of this variant in the gnomAD database is not available, as this variant may be reported differently in the database. This variant has not been reported in the literature in individuals affected with KIF23-related conditions. An algorithm developed to predict the effect of missense changes on protein structure and function (PolyPhen-2) suggests that this variant is likely to be tolerated. In summary, the available evidence is currently insufficient to determine the role of this variant in disease. Therefore, it has been classified as a Variant of Uncertain Significance.